The following is an entry in ClinVar:

NM_001083962.2(TCF4):c.1525G>A (p.Gly509Ser)

Gene: TCF4 (transcription factor 4; minus strand). Cytogenetic location: 18q21.2.
Variant type: single nucleotide variant.
Coding change: c.1525G>A on transcript NM_001083962.2 (MANE Select); coding-DNA position 1525, G replaced by A.
Protein change: p.Gly509Ser; replaces glycine 509 with serine.
Molecular consequence: missense variant.
Genome position (GRCh38, 1-based): chr18:55,232,633, C>T on the plus strand (G>A on the coding strand, the complement: TCF4 is on the minus strand). VCF-style: chr18-55232633-C-T. GRCh37 (hg19) VCF-style: chr18-52899864-C-T.
Other names: c.1831G>A, p.Gly611Ser (NM_001243226.3); c.1453G>A, p.Gly485Ser (NM_001243227.2, NM_001306207.1, NM_001348217.1 and 5 more transcripts); c.1543G>A, p.Gly515Ser (NM_001243228.2); c.1516G>A, p.Gly506Ser (NM_001243230.2); c.1399G>A, p.Gly467Ser (NM_001243231.2, NM_001348211.2); c.1312G>A, p.Gly438Ser (NM_001243232.1, NM_001306208.1); c.1135G>A, p.Gly379Ser (NM_001243233.2, NM_001330605.3, NM_001348212.2 and 1 more transcripts); c.1045G>A, p.Gly349Ser (NM_001243234.2, NM_001243235.2, NM_001243236.2 and 1 more transcripts); and 6 more; short protein forms G293S, G348S, G349S, G379S, G438S, G467S, G484S, G485S.
Identifiers: ClinVar variation 2632244 (VCV002632244.1), dbSNP rs1038815966, ClinGen allele CA300796924.
Genomic context (GRCh38, chr18:55,232,633, plus strand): 5'-AAGATTTCGTGTCTTGCAGGTTCTCATCACCCTCGTCATCGGATTTGATCTCAGAGCTGC[C>T]AGAGGAGACACTCTGCCCCTGTAGTCCTGGTGGCATGCCTGCCGAAAAAGAGAAATCAGG-3'
Protein context (NP_001077431.1, residues 499-519): PGLQGQSVSS[Gly509Ser]SSEIKSDDEG

ClinVar aggregate classification (germline): Uncertain significance (1 of 4 stars; one submission).

Conditions:
TCF4-related disorder. Also called: TCF4-related condition.

Submission:

PreventionGenetics, part of Exact Sciences
Classification: Uncertain significance for TCF4-related condition. Last evaluated: 2023-06-28. Review status: criteria provided, single submitter. Criteria: ACMG Guidelines, 2015. Collection method: clinical testing. Allele origin: germline.
Comment: The TCF4 c.1525G>A variant is predicted to result in the amino acid substitution p.Gly509Ser. To our knowledge, this variant has not been reported in the literature or in a large population database, indicating this variant is rare. At this time, the clinical significance of this variant is uncertain due to the absence of conclusive functional and genetic evidence.